The following is an entry in ClinVar:

NM_002578.5(PAK3):c.277-1167G>A

Gene: PAK3 (p21 (RAC1) activated kinase 3; plus strand). Cytogenetic location: Xq23.
Variant type: single nucleotide variant.
Coding change: c.277-1167G>A on transcript NM_002578.5 (MANE Select); 1167 bases into the intron before coding-DNA position 277, G replaced by A.
Molecular consequence: intron variant.
Genome position (GRCh38, 1-based): chrX:111,146,570, G>A. VCF-style: chrX-111146570-G-A. GRCh37 (hg19) VCF-style: chrX-110389798-G-A.
Other names: c.277-1167G>A (NM_001128166.3, NM_001324325.2, NM_001324330.2 and 5 more transcripts); c.384+5G>A (NM_001128168.3); c.321+5G>A (NM_001128173.3, NM_001324329.2, NM_001324327.2 and 2 more transcripts); c.340-1167G>A (NM_001128172.2).
Identifiers: ClinVar variation 2442642 (VCV002442642.1), dbSNP rs1458210938, ClinGen allele CA2580100197.

ClinVar aggregate classification (germline): Uncertain significance (1 of 4 stars; one submission).

Allele frequency attached by ClinVar (database versions not stated): gnomAD exomes below 0.00001.
gnomAD v4.1: 1 of 1,093,932 alleles (0.000091%); highest among the groups gnomAD compares: Non-Finnish European, 0.00012%; no homozygotes.

Submission:

GeneDx
Classification: Uncertain significance. Last evaluated: 2022-09-06. Review status: criteria provided, single submitter. Criteria: GeneDx Variant Classification Process June 2021. Collection method: clinical testing. Allele origin: germline. Affected: yes.
Comment: Intronic +5 splice site variant in a gene for which loss of function is a known mechanism of disease, and both splice predictors and evolutionary conservation support a deleterious effect, although in the absence of functional evidence the actual effect of this sequence change is unknown.; Not observed at significant frequency in large population cohorts (gnomAD); Has not been previously published as pathogenic or benign to our knowledge